The following is an entry in ClinVar:

ClinVar aggregate classification (germline): Pathogenic. Review status: criteria provided, multiple submitters, no conflicts (2 of 4 stars). 5 submissions from 5 submitters: Pathogenic (4). 1 of the submissions does not count toward it. Last evaluated 2025-11-10.

Conditions:
Ataxia-telangiectasia syndrome (AT). Also called: Ataxia telangiectasia (A-T); Ataxia-telangiectasia, complementation group D; AT, COMPLEMENTATION GROUP C; ATAXIA-TELANGIECTASIA, COMPLEMENTATION GROUP A; Ataxia-telangiectasia, complementation group E; ATAXIA-TELANGIECTASIA, FRESNO VARIANT. Identifiers: Orphanet 100, MedGen C0004135, MONDO:0008840, OMIM 208900.
Hereditary cancer-predisposing syndrome. Also called: Neoplastic Syndromes, Hereditary; Tumor predisposition; Hereditary Cancer Syndrome; Hereditary neoplastic syndrome. Identifiers: Orphanet 140162, MedGen C0027672, MeSH D009386, MONDO:0015356.
Familial cancer of breast. Also called: Hereditary breast cancer; BREAST CANCER, FAMILIAL; hereditary breast carcinoma. Identifiers: Orphanet 227535, MedGen C0346153, MONDO:0016419, OMIM 114480. Disease mechanism: loss of function.

Submissions (5):

Labcorp Genetics (formerly Invitae), Labcorp
Classification: Pathogenic for Ataxia-telangiectasia syndrome. Last evaluated: 2025-11-10. Review status: criteria provided, single submitter. Criteria: Invitae Variant Classification Sherloc (09022015). Collection method: clinical testing. Allele origin: germline.
Comment: This sequence change creates a premature translational stop signal (p.Gln1478*) in the ATM gene. It is expected to result in an absent or disrupted protein product. Loss-of-function variants in ATM are known to be pathogenic (PMID: 23807571, 25614872). This variant is not present in population databases (gnomAD no frequency). This premature translational stop signal has been observed in individual(s) with breast cancer (PMID: 30306255). ClinVar contains an entry for this variant (Variation ID: 561184). For these reasons, this variant has been classified as Pathogenic.

Ambry Genetics
Classification: Pathogenic for Hereditary cancer-predisposing syndrome. Last evaluated: 2025-04-02. Review status: criteria provided, single submitter. Criteria: Ambry Variant Classification Scheme 2023. Collection method: clinical testing. Allele origin: germline.
Comment: The p.Q1478* pathogenic mutation (also known as c.4432C>T), located in coding exon 28 of the ATM gene, results from a C to T substitution at nucleotide position 4432. This changes the amino acid from a glutamine to a stop codon within coding exon 28. This alteration has been reported in 1/192 Spanish hereditary breast and/or ovarian cancer families who were tested with a 97-gene panel (Bonache S et al. J Cancer Res Clin Oncol, 2018 Dec;144:2495-2513). This variant is considered to be rare based on population cohorts in the Genome Aggregation Database (gnomAD). In addition to the clinical data presented in the literature, this alteration is expected to result in loss of function by premature protein truncation or nonsense-mediated mRNA decay. As such, this alteration is interpreted as a disease-causing mutation.

Myriad Genetics, Inc.
Classification: Pathogenic for Familial cancer of breast. Last evaluated: 2024-01-24. Review status: criteria provided, single submitter. Criteria: Myriad Autosomal Dominant, Autosomal Recessive and X-Linked Classification Criteria (2023). Collection method: clinical testing. Allele origin: unknown.
Comment: This variant is considered pathogenic. This variant creates a termination codon and is predicted to result in premature protein truncation.

Baylor Genetics
Classification: Pathogenic for Familial cancer of breast. Last evaluated: 2023-03-11. Review status: criteria provided, single submitter. Criteria: ACMG Guidelines, 2015. Collection method: clinical testing. Allele origin: unknown.

Laboratory of Molecular Oncology, N.N. Petrov Institute of Oncology
Classification: Uncertain significance for Ataxia-telangiectasia syndrome. Review status: no assertion criteria provided. Collection method: reference population. Allele origin: germline. Observed: 1 variant allele, 1 heterozygote. Not counted in ClinVar's aggregate classification.

Literature cited by the submitters: PubMed 23807571 (cited by Labcorp Genetics (formerly Invitae), Labcorp); PubMed 25614872 (cited by Labcorp Genetics (formerly Invitae), Labcorp); PubMed 30306255 (cited by Labcorp Genetics (formerly Invitae), Labcorp and Ambry Genetics).

NM_000051.4(ATM):c.4432C>T (p.Gln1478Ter)

Gene: ATM (ATM serine/threonine kinase; plus strand). Cytogenetic location: 11q22.3.
Variant type: single nucleotide variant.
Coding change: c.4432C>T on transcript NM_000051.4 (MANE Select); coding-DNA position 4432, C replaced by T.
Protein change: p.Gln1478Ter; replaces glutamine 1478 with a stop codon.
Molecular consequence: nonsense.
Genome position (GRCh38, 1-based): chr11:108,289,797, C>T. VCF-style: chr11-108289797-C-T. GRCh37 (hg19) VCF-style: chr11-108160524-C-T.
Other names: c.4432C>T, p.Gln1478Ter (NM_001351834.2); short protein forms Q1478*.
Identifiers: ClinVar variation 561184 (VCV000561184.15), dbSNP rs1368412801, ClinGen allele CA382532287.
Genomic context (GRCh38, chr11:108,289,797, plus strand): 5'-GGAGGAGCTTGGGCCTTTGTTCTTCGAGACGTTATTTATACTTTGATTCACTATATCAAC[C>T]AAAGGTAAATAACATATTTAGACCAATATATAAGCAGTCTTTCTATCCTGTTCTTCCTGT-3'